The following is an entry in ClinVar:

NM_002907.4(RECQL):c.1128G>A (p.Met376Ile)

Gene: RECQL (RecQ like helicase; minus strand). Cytogenetic location: 12p12.1.
Variant type: single nucleotide variant.
Coding change: c.1128G>A on transcript NM_002907.4 (MANE Select); coding-DNA position 1128, G replaced by A.
Protein change: p.Met376Ile; replaces methionine 376 with isoleucine.
Molecular consequence: missense variant.
Genome position (GRCh38, 1-based): chr12:21,475,556, C>T on the plus strand (G>A on the coding strand, the complement: RECQL is on the minus strand). VCF-style: chr12-21475556-C-T. GRCh37 (hg19) VCF-style: chr12-21628490-C-T.
Other names: c.1128G>A, p.Met376Ile (NM_032941.3); short protein forms M376I.
Identifiers: ClinVar variation 1727453 (VCV001727453.2), dbSNP rs2540345068, ClinGen allele CA384120159.

ClinVar aggregate classification (germline): Uncertain significance (1 of 4 stars; one submission).

Submission:

Ambry Genetics
Classification: Uncertain significance. Last evaluated: 2021-09-28. Review status: criteria provided, single submitter. Criteria: Ambry Variant Classification Scheme 2023. Collection method: clinical testing. Allele origin: germline.
Comment: The p.M376I variant (also known as c.1128G>A), located in coding exon 9 of the RECQL gene, results from a G to A substitution at nucleotide position 1128. The methionine at codon 376 is replaced by isoleucine, an amino acid with highly similar properties. This amino acid position is conserved. In addition, this alteration is predicted to be deleterious by in silico analysis. Since supporting evidence is limited at this time, the clinical significance of this alteration remains unclear.